The following is an entry in ClinVar:

ClinVar aggregate classification (germline): Uncertain significance. Review status: criteria provided, single submitter (1 of 4 stars). 2 submissions from 2 submitters: Uncertain significance (1). 1 of the submissions does not count toward it. Last evaluated 2022-06-20.

Conditions:
TUB-related disorder. Also called: TUB-related condition.

Allele frequency attached by ClinVar (database versions not stated): gnomAD exomes 0.00002; TOPMed 0.00003; ExAC 0.00004; gnomAD 0.00007.
gnomAD v4.1: 33 of 1,612,862 alleles (0.002%); highest among the groups gnomAD compares: Non-Finnish European, 0.0026%; no homozygotes.

Submissions (2):

Labcorp Genetics (formerly Invitae), Labcorp
Classification: Uncertain significance. Last evaluated: 2022-06-20. Review status: criteria provided, single submitter. Criteria: Invitae Variant Classification Sherloc (09022015). Collection method: clinical testing. Allele origin: germline.
Comment: This sequence change replaces alanine, which is neutral and non-polar, with threonine, which is neutral and polar, at codon 220 of the TUB protein (p.Ala220Thr). This variant is present in population databases (rs775955177, gnomAD 0.005%). This variant has not been reported in the literature in individuals affected with TUB-related conditions. Algorithms developed to predict the effect of missense changes on protein structure and function output the following: SIFT: "Tolerated"; PolyPhen-2: "Benign"; Align-GVGD: "Class C0". The threonine amino acid residue is found in multiple mammalian species, which suggests that this missense change does not adversely affect protein function. In summary, the available evidence is currently insufficient to determine the role of this variant in disease. Therefore, it has been classified as a Variant of Uncertain Significance.

PreventionGenetics, part of Exact Sciences
Classification: Uncertain significance for TUB-related condition. Last evaluated: 2024-03-21. Review status: no assertion criteria provided. Collection method: clinical testing. Allele origin: germline. Not counted in ClinVar's aggregate classification.
Comment: The TUB c.658G>A variant is predicted to result in the amino acid substitution p.Ala220Thr. To our knowledge, this variant has not been reported in the literature. This variant is reported in 0.0047% of alleles in individuals of European (Non-Finnish) descent in gnomAD. At this time, the clinical significance of this variant is uncertain due to the absence of conclusive functional and genetic evidence.

NM_177972.3(TUB):c.493G>A (p.Ala165Thr)

Genes: TUB (TUB bipartite transcription factor; plus strand), RIC3 (RIC3 acetylcholine receptor chaperone; minus strand). Cytogenetic location: 11p15.4.
Variant type: single nucleotide variant.
Coding change: c.493G>A on transcript NM_177972.3 (MANE Select); coding-DNA position 493, G replaced by A.
Protein change: p.Ala165Thr; replaces alanine 165 with threonine.
Molecular consequence: missense variant.
Genome position (GRCh38, 1-based): chr11:8,095,593, G>A. VCF-style: chr11-8095593-G-A. GRCh37 (hg19) VCF-style: chr11-8117140-G-A.
Other names: c.658G>A, p.Ala220Thr (NM_003320.5); c.658G>A (NM_003320.4); short protein forms A220T, A165T.
Identifiers: ClinVar variation 1372368 (VCV001372368.6), dbSNP rs775955177, ClinGen allele CA5871111.
Genomic context (GRCh38, chr11:8,095,593, plus strand): 5'-TCTGAGGCCCAAGGCCCAGTGCAGATTCTGACTGTGGGCCAGTCAGACCACGCCCAGGAC[G>A]CAGGGGAGACGGCAGCTGGTGGGGGCGAACGGCCCAGCGGGCAGGATCTCCGTGCCACGA-3'
Protein context (NP_813977.1, residues 155-175): TVGQSDHAQD[Ala165Thr]GETAAGGGER